The following is an entry in ClinVar:

NM_032578.4(MYPN):c.2963G>A (p.Arg988Lys)

Gene: MYPN (myopalladin; plus strand). Cytogenetic location: 10q21.3.
Variant type: single nucleotide variant.
Coding change: c.2963G>A on transcript NM_032578.4 (MANE Select); coding-DNA position 2963, G replaced by A.
Protein change: p.Arg988Lys; replaces arginine 988 with lysine.
Molecular consequence: missense variant. On other transcripts: non-coding transcript variant (2).
Genome position (GRCh38, 1-based): chr10:68,194,400, G>A. VCF-style: chr10-68194400-G-A. GRCh37 (hg19) VCF-style: chr10-69954157-G-A.
Other names: c.2963G>A, p.Arg988Lys (NM_001256267.2); c.2081G>A, p.Arg694Lys (NM_001256268.2); short protein forms R694K, R988K.
Identifiers: ClinVar variation 1397868 (VCV001397868.8), dbSNP rs2134277689, ClinGen allele CA376855665.

ClinVar aggregate classification (germline): Uncertain significance (1 of 4 stars; one submission).

Conditions:
Dilated cardiomyopathy 1KK (CMD1KK). Identifiers: Orphanet 154, Orphanet 75249, MedGen C3714995, MONDO:0014100, OMIM 615248.

Submission:

Labcorp Genetics (formerly Invitae), Labcorp
Classification: Uncertain significance for Dilated cardiomyopathy 1KK. Last evaluated: 2021-04-03. Review status: criteria provided, single submitter. Criteria: Invitae Variant Classification Sherloc (09022015). Collection method: clinical testing. Allele origin: germline.
Comment: This sequence change replaces arginine with lysine at codon 988 of the MYPN protein (p.Arg988Lys). The arginine residue is weakly conserved and there is a small physicochemical difference between arginine and lysine. This variant is not present in population databases (ExAC no frequency). This variant has not been reported in the literature in individuals with MYPN-related conditions. Algorithms developed to predict the effect of missense changes on protein structure and function output the following: SIFT: "Tolerated"; PolyPhen-2: "Benign"; Align-GVGD: "Class C0". The lysine amino acid residue is found in multiple mammalian species, suggesting that this missense change does not adversely affect protein function. These predictions have not been confirmed by published functional studies and their clinical significance is uncertain. In summary, the available evidence is currently insufficient to determine the role of this variant in disease. Therefore, it has been classified as a Variant of Uncertain Significance.